The following is an entry in ClinVar:

ClinVar aggregate classification (germline): Uncertain significance (1 of 4 stars; one submission).

Conditions:
Arrhythmogenic right ventricular dysplasia 8 (ARVD8). Also called: Arrhythmogenic Right Ventricular Dysplasia/Cardiomyopathy 8; ARRHYTHMOGENIC RIGHT VENTRICULAR DYSPLASIA, FAMILIAL, 8; ARRHYTHMOGENIC RIGHT VENTRICULAR CARDIOMYOPATHY 8. Identifiers: MedGen C1843896, MONDO:0011831, OMIM 607450.
Arrhythmogenic cardiomyopathy with wooly hair and keratoderma. Also called: Carvajal syndrome; Dilated cardiomyopathy with woolly hair and keratoderma; Arrhythmogenic cardiomyopathy with woolly hair and keratoderma; PALMOPLANTAR KERATODERMA WITH LEFT VENTRICULAR CARDIOMYOPATHY AND WOOLLY HAIR. Identifiers: Orphanet 65282, MedGen C1854063, MONDO:0011581, OMIM 605676.

Allele frequency attached by ClinVar (database versions not stated): gnomAD exomes below 0.00001.
gnomAD v4.1: 3 of 1,614,054 alleles (0.00019%); highest among the groups gnomAD compares: East Asian, 0.0045%; no homozygotes.

Submission:

Labcorp Genetics (formerly Invitae), Labcorp
Classification: Uncertain significance for Arrhythmogenic cardiomyopathy with wooly hair and keratoderma; Arrhythmogenic right ventricular dysplasia 8. Last evaluated: 2022-10-17. Review status: criteria provided, single submitter. Criteria: Invitae Variant Classification Sherloc (09022015). Collection method: clinical testing. Allele origin: germline.
Comment: In summary, the available evidence is currently insufficient to determine the role of this variant in disease. Therefore, it has been classified as a Variant of Uncertain Significance. Algorithms developed to predict the effect of missense changes on protein structure and function (SIFT, PolyPhen-2, Align-GVGD) all suggest that this variant is likely to be tolerated. ClinVar contains an entry for this variant (Variation ID: 571520). This variant has not been reported in the literature in individuals affected with DSP-related conditions. This variant is not present in population databases (gnomAD no frequency). This sequence change replaces glutamine, which is neutral and polar, with glutamic acid, which is acidic and polar, at codon 2169 of the DSP protein (p.Gln2169Glu).

NM_004415.4(DSP):c.6505C>G (p.Gln2169Glu)

Gene: DSP (desmoplakin; plus strand). Cytogenetic location: 6p24.3.
Variant type: single nucleotide variant.
Coding change: c.6505C>G on transcript NM_004415.4 (MANE Select); coding-DNA position 6505, C replaced by G.
Protein change: p.Gln2169Glu; replaces glutamine 2169 with glutamic acid.
Molecular consequence: missense variant.
Genome position (GRCh38, 1-based): chr6:7,583,767, C>G. VCF-style: chr6-7583767-C-G. GRCh37 (hg19) VCF-style: chr6-7584000-C-G.
Other names: c.6505C>G (LRG_423t1); c.4708C>G, p.Gln1570Glu (NM_001008844.3); c.5176C>G, p.Gln1726Glu (NM_001319034.2); short protein forms Q2169E, Q1570E, Q1726E.
Identifiers: ClinVar variation 571520 (VCV000571520.9), dbSNP rs1561702645, ClinGen allele CA362690933.